The following is an entry in ClinVar:

NM_001098.3(ACO2):c.278C>T (p.Pro93Leu)

Gene: ACO2 (aconitase 2; plus strand). Cytogenetic location: 22q13.2.
Variant type: single nucleotide variant.
Coding change: c.278C>T on transcript NM_001098.3 (MANE Select); coding-DNA position 278, C replaced by T.
Protein change: p.Pro93Leu; replaces proline 93 with leucine.
Molecular consequence: missense variant.
Genome position (GRCh38, 1-based): chr22:41,507,895, C>T. VCF-style: chr22-41507895-C-T. GRCh37 (hg19) VCF-style: chr22-41903899-C-T.
Other names: short protein forms P93L.
Identifiers: ClinVar variation 1503024 (VCV001503024.6), dbSNP rs1382072104, ClinGen allele CA411713344.

ClinVar aggregate classification (germline): Uncertain significance (1 of 4 stars; one submission).

Allele frequency attached by ClinVar (database versions not stated): gnomAD exomes below 0.00001.
gnomAD v4.1: 4 of 1,614,218 alleles (0.00025%); highest among the groups gnomAD compares: Non-Finnish European, 0.00034%; no homozygotes.

Submission:

Labcorp Genetics (formerly Invitae), Labcorp
Classification: Uncertain significance. Last evaluated: 2021-12-02. Review status: criteria provided, single submitter. Criteria: Invitae Variant Classification Sherloc (09022015). Collection method: clinical testing. Allele origin: germline.
Comment: In summary, the available evidence is currently insufficient to determine the role of this variant in disease. Therefore, it has been classified as a Variant of Uncertain Significance. Advanced modeling of protein sequence and biophysical properties (such as structural, functional, and spatial information, amino acid conservation, physicochemical variation, residue mobility, and thermodynamic stability) performed at Invitae indicates that this missense variant is expected to disrupt ACO2 protein function. This variant has not been reported in the literature in individuals affected with ACO2-related conditions. This variant is present in population databases (no rsID available, gnomAD 0.0009%). This sequence change replaces proline, which is neutral and non-polar, with leucine, which is neutral and non-polar, at codon 93 of the ACO2 protein (p.Pro93Leu).